The following is an entry in ClinVar:

ClinVar aggregate classification (germline): Uncertain significance. Review status: criteria provided, multiple submitters, no conflicts (2 of 4 stars). 2 submissions from 2 submitters: Uncertain significance (2). Last evaluated 2023-04-10.

Allele frequency attached by ClinVar (database versions not stated): ExAC 0.00001; gnomAD exomes 0.00001; TOPMed 0.00001.
gnomAD v4.1: 4 of 1,211,233 alleles (0.00033%); highest among the groups gnomAD compares: Admixed American, 0.0065%; no homozygotes.

Submissions (2):

Labcorp Genetics (formerly Invitae), Labcorp
Classification: Uncertain significance. Last evaluated: 2023-04-10. Review status: criteria provided, single submitter. Criteria: Invitae Variant Classification Sherloc (09022015). Collection method: clinical testing. Allele origin: germline.
Comment: In summary, the available evidence is currently insufficient to determine the role of this variant in disease. Therefore, it has been classified as a Variant of Uncertain Significance. An algorithm developed to predict the effect of missense changes on protein structure and function (PolyPhen-2) suggests that this variant is likely to be tolerated. ClinVar contains an entry for this variant (Variation ID: 373464). This variant has not been reported in the literature in individuals affected with USP9X-related conditions. This variant is present in population databases (rs775379712, gnomAD 0.008%), including at least one homozygous and/or hemizygous individual. This sequence change replaces lysine, which is basic and polar, with glutamine, which is neutral and polar, at codon 1712 of the USP9X protein (p.Lys1712Gln).

GeneDx
Classification: Uncertain significance. Last evaluated: 2016-11-28. Review status: criteria provided, single submitter. Criteria: GeneDx Variant Classification (06012015). Collection method: clinical testing. Allele origin: germline. Affected: yes.
Comment: A variant of uncertain significance has been identified in the USP9X gene. The K1712Q variant has not been published as a pathogenic variant, nor has it been reported as a benign variant to our knowledge. It was not observed in approximately 6,500 individuals of European and African American ancestry in the NHLBI Exome Sequencing Project, indicating it is not a common benign variant in these populations. The K1712Q variant is a semi-conservative amino acid substitution, which may impact secondary protein structure as these residues differ in some properties. This substitution occurs at a position that is conserved across species. In silico analysis is inconsistent in its predictions as to whether or not the K1712Q variant is damaging to the protein structure/function. Based on the currently available information, it is unclear whether this variant is a pathogenic variant or a rare benign variant.

NM_001039591.3(USP9X):c.5134A>C (p.Lys1712Gln)

Gene: USP9X (ubiquitin specific peptidase 9 X-linked; plus strand). Cytogenetic location: Xp11.4.
Variant type: single nucleotide variant.
Coding change: c.5134A>C on transcript NM_001039591.3 (MANE Select); coding-DNA position 5134, A replaced by C.
Protein change: p.Lys1712Gln; replaces lysine 1712 with glutamine.
Molecular consequence: missense variant.
Genome position (GRCh38, 1-based): chrX:41,210,627, A>C. VCF-style: chrX-41210627-A-C. GRCh37 (hg19) VCF-style: chrX-41069880-A-C.
Other names: c.5134A>C, p.Lys1712Gln (NM_001039590.3); short protein forms K1712Q.
Identifiers: ClinVar variation 373464 (VCV000373464.4), dbSNP rs775379712, ClinGen allele CA10388963.